The following is an entry in ClinVar:

ClinVar aggregate classification (germline): Uncertain significance (1 of 4 stars; one submission).

Submission:

GeneDx
Classification: Uncertain significance. Last evaluated: 2024-10-11. Review status: criteria provided, single submitter. Criteria: GeneDx Variant Classification Process June 2021. Collection method: clinical testing. Allele origin: germline. Affected: yes.
Comment: Not observed at significant frequency in large population cohorts (gnomAD); In silico analysis indicates that this missense variant does not alter protein structure/function; Has not been previously published as pathogenic or benign to our knowledge

NM_001378454.1(ALMS1):c.11563A>T (p.Ile3855Phe)

Gene: ALMS1 (ALMS1 centrosome and basal body associated protein; plus strand). Cytogenetic location: 2p13.1.
Variant type: single nucleotide variant.
Coding change: c.11563A>T on transcript NM_001378454.1 (MANE Select); coding-DNA position 11563, A replaced by T.
Protein change: p.Ile3855Phe; replaces isoleucine 3855 with phenylalanine.
Molecular consequence: missense variant.
Genome position (GRCh38, 1-based): chr2:73,599,416, A>T. VCF-style: chr2-73599416-A-T. GRCh37 (hg19) VCF-style: chr2-73826543-A-T.
Other names: c.11566A>T, p.Ile3856Phe (NM_015120.4); short protein forms I3855F, I3856F.
Identifiers: ClinVar variation 3777543 (VCV003777543.1).